The following is an entry in ClinVar:

ClinVar aggregate classification (germline): Benign/Likely benign. Review status: criteria provided, multiple submitters, no conflicts (2 of 4 stars). 4 submissions from 4 submitters: Benign (1); Likely benign (3). Last evaluated 2025-07-21.

Conditions:
Hereditary cancer-predisposing syndrome. Also called: Hereditary Cancer Syndrome; Neoplastic Syndromes, Hereditary; Hereditary neoplastic syndrome; Tumor predisposition. Identifiers: Orphanet 140162, MedGen C0027672, MeSH D009386, MONDO:0015356.
Hereditary diffuse gastric adenocarcinoma (HDGC). Also called: DIFFUSE GASTRIC AND LOBULAR BREAST CANCER SYNDROME. Identifiers: Orphanet 26106, MedGen C1708349, MONDO:0007648, OMIM 137215.

Allele frequency attached by ClinVar (database versions not stated): gnomAD exomes below 0.00001 and 0.00001.
gnomAD v4.1: 5 of 1,611,296 alleles (0.00031%); highest among the groups gnomAD compares: Non-Finnish European, 0.00042%; no homozygotes.

Submissions (4):

Labcorp Genetics (formerly Invitae), Labcorp
Classification: Likely benign for Hereditary diffuse gastric adenocarcinoma. Last evaluated: 2025-07-21. Review status: criteria provided, single submitter. Criteria: Invitae Variant Classification Sherloc (09022015). Collection method: clinical testing. Allele origin: germline.

Myriad Genetics, Inc.
Classification: Benign for Hereditary diffuse gastric adenocarcinoma. Last evaluated: 2024-09-20. Review status: criteria provided, single submitter. Criteria: Myriad Autosomal Dominant, Autosomal Recessive and X-Linked Classification Criteria (2023). Collection method: clinical testing. Allele origin: unknown.
Comment: This variant is considered benign. This variant is a silent/synonymous amino acid change and it is not expected to impact splicing.

Color Diagnostics, LLC DBA Color Health
Classification: Likely benign for Hereditary cancer-predisposing syndrome. Last evaluated: 2019-01-02. Review status: criteria provided, single submitter. Criteria: ACMG Guidelines, 2015. Collection method: clinical testing. Allele origin: germline.

Ambry Genetics
Classification: Likely benign for Hereditary cancer-predisposing syndrome. Last evaluated: 2015-08-06. Review status: criteria provided, single submitter. Criteria: Ambry Variant Classification Scheme 2023. Collection method: clinical testing. Allele origin: germline.

NM_004360.5(CDH1):c.2151T>C (p.Ile717=)

Gene: CDH1 (cadherin 1; plus strand). Cytogenetic location: 16q22.1.
Variant type: single nucleotide variant.
Coding change: c.2151T>C on transcript NM_004360.5 (MANE Select); coding-DNA position 2151, T replaced by C.
Protein change: p.Ile717=; no amino-acid change (isoleucine 717 retained).
Molecular consequence: synonymous variant.
Genome position (GRCh38, 1-based): chr16:68,823,613, T>C. VCF-style: chr16-68823613-T-C. GRCh37 (hg19) VCF-style: chr16-68857516-T-C.
Other names: c.1968T>C, p.Ile656= (NM_001317184.2); c.603T>C, p.Ile201= (NM_001317185.2); c.186T>C, p.Ile62= (NM_001317186.2).
Identifiers: ClinVar variation 820804 (VCV000820804.16), dbSNP rs1205147360, ClinGen allele CA496392490.